The following is an entry in ClinVar:

NM_000268.4(NF2):c.833del (p.Lys278fs)

Gene: NF2 (NF2, moesin-ezrin-radixin like (MERLIN) tumor suppressor; plus strand). Cytogenetic location: 22q12.2.
Variant type: Deletion.
Coding change: c.833del on transcript NM_000268.4 (MANE Select); coding-DNA position 833, one base deleted (A; older notation c.833delA).
Protein change: p.Lys278fs; shifts the reading frame from lysine 278.
Molecular consequence: frameshift variant. On other transcripts: non-coding transcript variant (1), intron variant (1).
Genome position (GRCh38, 1-based): chr22:29,665,012, A deleted; the last of 2 consecutive A bases (chr22:29,665,011-29,665,012); deleting either gives the same sequence. VCF-style (leftmost placement, unchanged base first): chr22-29665010-TA-T. GRCh37 (hg19) VCF-style: chr22-30060999-TA-T.
Other names: c.719del, p.Lys240fs (NM_001407056.1, NM_001407053.1); c.698del, p.Lys233fs (NM_001407057.1, NM_001407059.1); c.710del, p.Lys237fs (NM_001407058.1, NM_181829.3, NM_001407054.1); c.833del, p.Lys278fs (NM_001407060.1, NM_001407066.1, NM_016418.5 and 2 more transcripts); c.575del, p.Lys192fs (NM_001407062.1); c.584del, p.Lys195fs (NM_001407063.1, NM_001407064.1, NM_181830.3 and 1 more transcripts); c.299del, p.Lys100fs (NM_001407065.1); c.602del, p.Lys201fs (NM_001407067.1); and 2 more; short protein forms K233fs, K278fs, K236fs, K195fs, K100fs, K192fs, K201fs, K237fs.
Identifiers: ClinVar variation 3722196 (VCV003722196.2).
Genomic context (GRCh38, chr22:29,665,010, plus strand): 5'-GGCTGTCGGACTGAAACTGTGTTCTGCTTCATTCTTCCAGTTTACTATTAAACCACTGGA[TA>T]AGAAAATTGATGTCTTCAAGTTTAACTCCTCAAAGCTTCGTGTTAATAAGCTGGTAAGTT-3'

ClinVar aggregate classification (germline): Pathogenic (1 of 4 stars; one submission).

Conditions:
Neurofibromatosis, type 2 (SWNV). Also called: BILATERAL ACOUSTIC NEUROFIBROMATOSIS; SCHWANNOMATOSIS, VESTIBULAR; NF2-Related Schwannomatosis. Identifiers: Orphanet 637, MedGen C0027832, MONDO:0007039, OMIM 101000. Disease mechanism: loss of function.

Submission:

Labcorp Genetics (formerly Invitae), Labcorp
Classification: Pathogenic for Neurofibromatosis, type 2. Last evaluated: 2025-09-07. Review status: criteria provided, single submitter. Criteria: Invitae Variant Classification Sherloc (09022015). Collection method: clinical testing. Allele origin: germline.
Comment: This sequence change creates a premature translational stop signal (p.Lys278Argfs*18) in the NF2 gene. It is expected to result in an absent or disrupted protein product. Loss-of-function variants in NF2 are known to be pathogenic (PMID: 9643284, 16983642). This variant is not present in population databases (gnomAD no frequency). This variant has not been reported in the literature in individuals affected with NF2-related conditions. ClinVar contains an entry for this variant (Variation ID: 3722196). For these reasons, this variant has been classified as Pathogenic.

Literature cited by the submitters: PubMed 9643284; PubMed 16983642.